The following is an entry in ClinVar:

ClinVar aggregate classification (germline): Likely pathogenic (1 of 4 stars; one submission).

Conditions:
Autosomal dominant Alport syndrome (ATS3A). Also called: Alport syndrome dominant type; Renal failure and sensorineural hearing loss; ALPORT SYNDROME 3A, AUTOSOMAL DOMINANT. Identifiers: Orphanet 63, Orphanet 88918, MedGen C5882663, MONDO:0007086, OMIM 104200.

Submission:

MVZ Medizinische Genetik Mainz
Classification: Likely pathogenic for Autosomal dominant Alport syndrome. Last evaluated: 2024-04-03. Review status: criteria provided, single submitter. Criteria: UK Practice Guidelines For Variant Classification V4 01 2020. Collection method: clinical testing. Allele origin: germline. Inheritance: Autosomal dominant inheritance. Affected: yes. Observed: 1 variant allele.
Comment: ACMG Criteria: PM1_STR,PM2_SUP,PM5_SUP,PP3

NM_000091.5(COL4A3):c.3947G>T (p.Gly1316Val)

Genes: COL4A3 (collagen type IV alpha 3 chain; plus strand), MFF-DT (MFF divergent transcript; minus strand). Cytogenetic location: 2q36.3.
Variant type: single nucleotide variant.
Coding change: c.3947G>T on transcript NM_000091.5 (MANE Select); coding-DNA position 3947, G replaced by T.
Protein change: p.Gly1316Val; replaces glycine 1316 with valine.
Molecular consequence: missense variant.
Genome position (GRCh38, 1-based): chr2:227,303,102, G>T. VCF-style: chr2-227303102-G-T. GRCh37 (hg19) VCF-style: chr2-228167818-G-T.
Other names: short protein forms G1316V.
Identifiers: ClinVar variation 3256672 (VCV003256672.1).